The following is an entry in ClinVar:

ClinVar aggregate classification (germline): Uncertain significance (1 of 4 stars; one submission).

Allele frequency attached by ClinVar (database versions not stated): ExAC 0.00001; gnomAD exomes 0.00001.
gnomAD v4.1: 21 of 1,614,112 alleles (0.0013%); highest among the groups gnomAD compares: Non-Finnish European, 0.0018%; no homozygotes.

Submission:

Labcorp Genetics (formerly Invitae), Labcorp
Classification: Uncertain significance. Last evaluated: 2021-12-28. Review status: criteria provided, single submitter. Criteria: Invitae Variant Classification Sherloc (09022015). Collection method: clinical testing. Allele origin: germline.
Comment: Algorithms developed to predict the effect of missense changes on protein structure and function are either unavailable or do not agree on the potential impact of this missense change (SIFT: "Deleterious"; PolyPhen-2: "Benign"; Align-GVGD: "Class C55"). In summary, the available evidence is currently insufficient to determine the role of this variant in disease. Therefore, it has been classified as a Variant of Uncertain Significance. This variant has not been reported in the literature in individuals affected with FERMT1-related conditions. This sequence change replaces isoleucine, which is neutral and non-polar, with threonine, which is neutral and polar, at codon 609 of the FERMT1 protein (p.Ile609Thr). This variant is present in population databases (rs753750023, gnomAD 0.003%).

NM_017671.5(FERMT1):c.1826T>C (p.Ile609Thr)

Gene: FERMT1 (FERM domain containing kindlin 1; minus strand). Cytogenetic location: 20p12.3.
Variant type: single nucleotide variant.
Coding change: c.1826T>C on transcript NM_017671.5 (MANE Select); coding-DNA position 1826, T replaced by C.
Protein change: p.Ile609Thr; replaces isoleucine 609 with threonine.
Molecular consequence: missense variant.
Genome position (GRCh38, 1-based): chr20:6,079,470, A>G on the plus strand (T>C on the coding strand, the complement: FERMT1 is on the minus strand). VCF-style: chr20-6079470-A-G. GRCh37 (hg19) VCF-style: chr20-6060117-A-G.
Other names: short protein forms I609T.
Identifiers: ClinVar variation 1977394 (VCV001977394.5), dbSNP rs753750023, ClinGen allele CA9758023.